The following is an entry in ClinVar:

ClinVar aggregate classification (germline): Uncertain significance. Review status: criteria provided, multiple submitters, no conflicts (2 of 4 stars). 5 submissions from 5 submitters: Uncertain significance (5). Last evaluated 2025-03-28.

Conditions:
Inborn genetic diseases. Identifiers: MedGen C0950123, MeSH D030342.

Allele frequency attached by ClinVar (database versions not stated): gnomAD 0.00015 and 0.00016; TOPMed 0.00015; ESP Exome Variant Server 0.00023.
gnomAD v4.1: 284 of 1,614,020 alleles (0.018%); highest among the groups gnomAD compares: Non-Finnish European, 0.023%; no homozygotes.

Submissions (5):

Ambry Genetics
Classification: Uncertain significance for Inborn genetic diseases. Last evaluated: 2025-03-28. Review status: criteria provided, single submitter. Criteria: Ambry Variant Classification Scheme 2023. Collection method: clinical testing. Allele origin: germline.

GeneDx
Classification: Uncertain significance. Last evaluated: 2024-11-26. Review status: criteria provided, single submitter. Criteria: GeneDx Variant Classification Process June 2021. Collection method: clinical testing. Allele origin: germline. Affected: yes.
Comment: In silico analysis supports that this missense variant has a deleterious effect on protein structure/function; Has not been previously published as pathogenic or benign to our knowledge

Labcorp Genetics (formerly Invitae), Labcorp
Classification: Uncertain significance. Last evaluated: 2022-05-07. Review status: criteria provided, single submitter. Criteria: Invitae Variant Classification Sherloc (09022015). Collection method: clinical testing. Allele origin: germline.
Comment: This sequence change replaces asparagine, which is neutral and polar, with serine, which is neutral and polar, at codon 1829 of the HSPG2 protein (p.Asn1829Ser). This variant is present in population databases (rs371550970, gnomAD 0.03%). This variant has not been reported in the literature in individuals affected with HSPG2-related conditions. ClinVar contains an entry for this variant (Variation ID: 585995). Algorithms developed to predict the effect of missense changes on protein structure and function output the following: SIFT: "Tolerated"; PolyPhen-2: "Benign"; Align-GVGD: "Class C0". The serine amino acid residue is found in multiple mammalian species, which suggests that this missense change does not adversely affect protein function. Algorithms developed to predict the effect of sequence changes on RNA splicing suggest that this variant may create or strengthen a splice site. In summary, the available evidence is currently insufficient to determine the role of this variant in disease. Therefore, it has been classified as a Variant of Uncertain Significance.

Revvity Omics, Revvity
Classification: Uncertain significance. Last evaluated: 2019-10-07. Review status: criteria provided, single submitter. Criteria: ACMG Guidelines, 2015. Collection method: clinical testing. Allele origin: germline.

Athena Diagnostics
Classification: Uncertain significance. Last evaluated: 2017-11-06. Review status: criteria provided, single submitter. Criteria: Athena Diagnostics Criteria. Collection method: clinical testing. Allele origin: germline.

NM_005529.7(HSPG2):c.5486A>G (p.Asn1829Ser)

Gene: HSPG2 (heparan sulfate proteoglycan 2; minus strand). Cytogenetic location: 1p36.12.
Variant type: single nucleotide variant.
Coding change: c.5486A>G on transcript NM_005529.7 (MANE Select); coding-DNA position 5486, A replaced by G.
Protein change: p.Asn1829Ser; replaces asparagine 1829 with serine.
Molecular consequence: missense variant.
Genome position (GRCh38, 1-based): chr1:21,857,104, T>C on the plus strand (A>G on the coding strand, the complement: HSPG2 is on the minus strand). VCF-style: chr1-21857104-T-C. GRCh37 (hg19) VCF-style: chr1-22183597-T-C.
Other names: c.5489A>G, p.Asn1830Ser (NM_001291860.2); short protein forms N1829S, N1830S.
Identifiers: ClinVar variation 585995 (VCV000585995.12), dbSNP rs371550970, ClinGen allele CA671912.